The following is an entry in ClinVar:

ClinVar aggregate classification (germline): Likely pathogenic (1 of 4 stars; one submission).

Submission:

Labcorp Genetics (formerly Invitae), Labcorp
Classification: Likely pathogenic. Last evaluated: 2023-03-27. Review status: criteria provided, single submitter. Criteria: Invitae Variant Classification Sherloc (09022015). Collection method: clinical testing. Allele origin: unknown.
Comment: In summary, the currently available evidence indicates that the variant is pathogenic, but additional data are needed to prove that conclusively. Therefore, this variant has been classified as Likely Pathogenic. This variant has not been reported in the literature in individuals affected with TG-related conditions. This variant results in the deletion of exons 15-16 and part of exon 14 (c.3323_3634+2542del) of the TG gene. It is expected to disrupt RNA splicing. Variants that disrupt the donor or acceptor splice site typically lead to a loss of protein function (PMID: 16199547), and loss-of-function variants in TG are known to be pathogenic (PMID: 19837936, 23164529).

Literature cited by the submitters: PubMed 16199547; PubMed 19837936; PubMed 23164529.

NC_000008.10:g.(?_133911148)_(133916340_?)del

Gene: TG (thyroglobulin; plus strand). Cytogenetic location: 8q24.22.
Variant type: Deletion.
Identifiers: ClinVar variation 3245571 (VCV003245571.1).